The following is an entry in ClinVar:

NM_000102.4(CYP17A1):c.1513G>A (p.Glu505Lys)

Gene: CYP17A1 (cytochrome P450 family 17 subfamily A member 1; minus strand). Cytogenetic location: 10q24.32.
Variant type: single nucleotide variant.
Coding change: c.1513G>A on transcript NM_000102.4 (MANE Select); coding-DNA position 1513, G replaced by A.
Protein change: p.Glu505Lys; replaces glutamic acid 505 with lysine.
Molecular consequence: missense variant.
Genome position (GRCh38, 1-based): chr10:102,830,716, C>T on the plus strand (G>A on the coding strand, the complement: CYP17A1 is on the minus strand). VCF-style: chr10-102830716-C-T. GRCh37 (hg19) VCF-style: chr10-104590473-C-T.
Other names: short protein forms E505K.
Identifiers: ClinVar variation 1486975 (VCV001486975.8), dbSNP rs1046640598, ClinGen allele CA212290579.

ClinVar aggregate classification (germline): Uncertain significance (1 of 4 stars; one submission).

Allele frequency attached by ClinVar (database versions not stated): gnomAD exomes below 0.00001.
gnomAD v4.1: 1 of 1,594,382 alleles (0.000063%); highest among the groups gnomAD compares: African/African-American, 0.0013%; no homozygotes.

Submission:

Labcorp Genetics (formerly Invitae), Labcorp
Classification: Uncertain significance. Last evaluated: 2021-05-01. Review status: criteria provided, single submitter. Criteria: Invitae Variant Classification Sherloc (09022015). Collection method: clinical testing. Allele origin: germline.
Comment: In summary, the available evidence is currently insufficient to determine the role of this variant in disease. Therefore, it has been classified as a Variant of Uncertain Significance. Advanced modeling of protein sequence and biophysical properties (such as structural, functional, and spatial information, amino acid conservation, physicochemical variation, residue mobility, and thermodynamic stability) performed at Invitae indicates that this missense variant is not expected to disrupt CYP17A1 protein function. This variant has not been reported in the literature in individuals with CYP17A1-related conditions. This variant is not present in population databases (ExAC no frequency). This sequence change replaces glutamic acid with lysine at codon 505 of the CYP17A1 protein (p.Glu505Lys). The glutamic acid residue is moderately conserved and there is a small physicochemical difference between glutamic acid and lysine.